The following is an entry in ClinVar:

NM_021870.3(FGG):c.4A>C (p.Ser2Arg)

Gene: FGG (fibrinogen gamma chain; minus strand). Cytogenetic location: 4q32.1.
Variant type: single nucleotide variant.
Coding change: c.4A>C on transcript NM_021870.3 (MANE Select); coding-DNA position 4, A replaced by C.
Protein change: p.Ser2Arg; replaces serine 2 with arginine.
Molecular consequence: missense variant.
Genome position (GRCh38, 1-based): chr4:154,612,606, T>G on the plus strand (A>C on the coding strand, the complement: FGG is on the minus strand). VCF-style: chr4-154612606-T-G. GRCh37 (hg19) VCF-style: chr4-155533758-T-G.
Other names: c.4A>C, p.Ser2Arg (NM_000509.6); short protein forms S2R.
Identifiers: ClinVar variation 2469230 (VCV002469230.5), dbSNP rs367824435, ClinGen allele CA3115780.

ClinVar aggregate classification (germline): Uncertain significance. Review status: criteria provided, multiple submitters, no conflicts (2 of 4 stars). 2 submissions from 2 submitters: Uncertain significance (2). Last evaluated 2023-07-25.

Conditions:
Inborn genetic diseases. Identifiers: MedGen C0950123, MeSH D030342.

Allele frequency attached by ClinVar (database versions not stated): gnomAD exomes below 0.00001; ExAC 0.00001; gnomAD 0.00004; TOPMed 0.00006; ESP Exome Variant Server 0.00008.
gnomAD v4.1: 12 of 1,613,548 alleles (0.00074%); highest among the groups gnomAD compares: African/African-American, 0.013%; no homozygotes.

Submissions (2):

Labcorp Genetics (formerly Invitae), Labcorp
Classification: Uncertain significance. Last evaluated: 2023-07-25. Review status: criteria provided, single submitter. Criteria: Invitae Variant Classification Sherloc (09022015). Collection method: clinical testing. Allele origin: germline.
Comment: This sequence change replaces serine, which is neutral and polar, with arginine, which is basic and polar, at codon 2 of the FGG protein (p.Ser2Arg). This variant is present in population databases (rs367824435, gnomAD 0.02%). This variant has not been reported in the literature in individuals affected with FGG-related conditions. ClinVar contains an entry for this variant (Variation ID: 2469230). Algorithms developed to predict the effect of missense changes on protein structure and function output the following: SIFT: "Not Available"; PolyPhen-2: "Benign"; Align-GVGD: "Not Available". The arginine amino acid residue is found in multiple mammalian species, which suggests that this missense change does not adversely affect protein function. In summary, the available evidence is currently insufficient to determine the role of this variant in disease. Therefore, it has been classified as a Variant of Uncertain Significance.

Ambry Genetics
Classification: Uncertain significance for Inborn genetic diseases. Last evaluated: 2023-01-23. Review status: criteria provided, single submitter. Criteria: Ambry Variant Classification Scheme 2023. Collection method: clinical testing. Allele origin: germline.